The following is an entry in ClinVar:

NM_001035.3(RYR2):c.10257C>T (p.Phe3419=)

Gene: RYR2 (ryanodine receptor 2; plus strand). Cytogenetic location: 1q43.
Variant type: single nucleotide variant.
Coding change: c.10257C>T on transcript NM_001035.3 (MANE Select); coding-DNA position 10257, C replaced by T.
Protein change: p.Phe3419=; no amino-acid change (phenylalanine 3419 retained).
Molecular consequence: synonymous variant.
Genome position (GRCh38, 1-based): chr1:237,711,771, C>T. VCF-style: chr1-237711771-C-T. GRCh37 (hg19) VCF-style: chr1-237875071-C-T.
Other names: c.10257C>T, p.Phe3419= (LRG_402t1).
Identifiers: ClinVar variation 387165 (VCV000387165.16), dbSNP rs748715725, ClinGen allele CA084261.

ClinVar aggregate classification (germline): Conflicting classifications of pathogenicity. Review status: criteria provided, conflicting classifications (1 of 4 stars). 6 submissions from 6 submitters: Uncertain significance (1); Benign (1); Likely benign (4). Last evaluated 2026-05-01.

Conditions:
Cardiomyopathy (CMYO). Also called: Cardiomyopathies. Identifiers: Orphanet 167848, MedGen C0878544, MONDO:0004994, HP:0001638. Inheritance: Various modes of inheritance.
Cardiovascular phenotype. Identifiers: MedGen CN230736.
Catecholaminergic polymorphic ventricular tachycardia 1. Also called: RYR2-Related Catecholaminergic Polymorphic Ventricular Tachycardia; VENTRICULAR TACHYCARDIA, CATECHOLAMINERGIC POLYMORPHIC, 1, WITH OR WITHOUT ATRIAL DYSFUNCTION AND/OR DILATED CARDIOMYOPATHY; VENTRICULAR TACHYCARDIA, STRESS-INDUCED POLYMORPHIC 1. Identifiers: Orphanet 3286, MedGen C1631597, MONDO:0011484, OMIM 604772.
Catecholaminergic polymorphic ventricular tachycardia (CVPT). Also called: Catecholamine-induced polymorphic ventricular tachycardia. Identifiers: Orphanet 3286, MedGen C5574922, MONDO:0017990.

Allele frequency attached by ClinVar (database versions not stated): TOPMed 0.00002; gnomAD exomes 0.00005; gnomAD 0.00001; ExAC 0.00006.
gnomAD v4.1: 27 of 1,587,124 alleles (0.0017%); highest among the groups gnomAD compares: Admixed American, 0.012%; no homozygotes.

Submissions (6):

Women's Health and Genetics/Laboratory Corporation of America, LabCorp
Classification: Benign. Last evaluated: 2026-05-01. Review status: criteria provided, single submitter. Criteria: LabCorp Variant Classification Summary - May 2015. Collection method: clinical testing. Allele origin: germline.

Labcorp Genetics (formerly Invitae), Labcorp
Classification: Likely benign for Catecholaminergic polymorphic ventricular tachycardia 1. Last evaluated: 2025-11-23. Review status: criteria provided, single submitter. Criteria: Invitae Variant Classification Sherloc (09022015). Collection method: clinical testing. Allele origin: germline.

All of Us Research Program, National Institutes of Health
Classification: Likely benign for Catecholaminergic polymorphic ventricular tachycardia. Last evaluated: 2024-01-11. Review status: criteria provided, single submitter. Criteria: ACMG Guidelines, 2015. Collection method: clinical testing. Allele origin: germline. Inheritance: Autosomal dominant inheritance. Observed: 5 variant alleles, 5 heterozygotes.
Comment: This study involves interpretation of variants in research participants for the purpose of population health screening. Participant phenotype was not available at the time of variant classification. Additional details can be found in publication PMID: 35346344, PMCID: PMC8962531

Ambry Genetics
Classification: Uncertain significance for Cardiovascular phenotype. Last evaluated: 2023-02-13. Review status: criteria provided, single submitter. Criteria: Ambry Variant Classification Scheme 2023. Collection method: clinical testing. Allele origin: germline.
Comment: The c.10257C>T variant (also known as p.F3419F), located in coding exon 71 of the RYR2 gene, results from a C to T substitution at nucleotide position 10257. This nucleotide substitution does not change the phenylalanine at codon 3419. This nucleotide position is poorly conserved in available vertebrate species. In silico splice site analysis for this alteration is inconclusive. Since supporting evidence is limited at this time, the clinical significance of this alteration remains unclear.

Color Diagnostics, LLC DBA Color Health
Classification: Likely benign for Cardiomyopathy. Last evaluated: 2019-08-20. Review status: criteria provided, single submitter. Criteria: ACMG Guidelines, 2015. Collection method: clinical testing. Allele origin: germline.

GeneDx
Classification: Likely benign. Last evaluated: 2016-06-22. Review status: criteria provided, single submitter. Criteria: GeneDx Variant Classification (06012015). Collection method: clinical testing. Allele origin: germline. Affected: yes.
Comment: This variant is considered likely benign or benign based on one or more of the following criteria: it is a conservative change, it occurs at a poorly conserved position in the protein, it is predicted to be benign by multiple in silico algorithms, and/or has population frequency not consistent with disease.